The following is an entry in ClinVar:

NM_000350.3(ABCA4):c.2237T>A (p.Met746Lys)

Gene: ABCA4 (ATP binding cassette subfamily A member 4; minus strand). Cytogenetic location: 1p22.1.
Variant type: single nucleotide variant.
Coding change: c.2237T>A on transcript NM_000350.3 (MANE Select); coding-DNA position 2237, T replaced by A.
Protein change: p.Met746Lys; replaces methionine 746 with lysine.
Molecular consequence: missense variant.
Genome position (GRCh38, 1-based): chr1:94,056,746, A>T on the plus strand (T>A on the coding strand, the complement: ABCA4 is on the minus strand). VCF-style: chr1-94056746-A-T. GRCh37 (hg19) VCF-style: chr1-94522302-A-T.
Other names: short protein forms M746K.
Identifiers: ClinVar variation 1009456 (VCV001009456.9), dbSNP rs1660994402, ClinGen allele CA341277956.

ClinVar aggregate classification (germline): Conflicting classifications of pathogenicity. Review status: criteria provided, conflicting classifications (1 of 4 stars). 2 submissions from 2 submitters: Likely pathogenic (1); Uncertain significance (1). Last evaluated 2025-09-02.

Allele frequency attached by ClinVar (database versions not stated): gnomAD exomes below 0.00001.
gnomAD v4.1: 2 of 1,613,932 alleles (0.00012%); highest among the groups gnomAD compares: Non-Finnish European, 0.00017%; no homozygotes.

Submissions (2):

Labcorp Genetics (formerly Invitae), Labcorp
Classification: Likely pathogenic. Last evaluated: 2025-09-02. Review status: criteria provided, single submitter. Criteria: Invitae Variant Classification Sherloc (09022015). Collection method: clinical testing. Allele origin: germline.
Comment: This sequence change replaces methionine, which is neutral and non-polar, with lysine, which is basic and polar, at codon 746 of the ABCA4 protein (p.Met746Lys). This variant is not present in population databases (gnomAD no frequency). This missense change has been observed in individual(s) with Stargardt Disease (PMID: 32307445). ClinVar contains an entry for this variant (Variation ID: 1009456). Invitae Evidence Modeling of protein sequence and biophysical properties (such as structural, functional, and spatial information, amino acid conservation, physicochemical variation, residue mobility, and thermodynamic stability) indicates that this missense variant is expected to disrupt ABCA4 protein function with a positive predictive value of 95%. In summary, the currently available evidence indicates that the variant is pathogenic, but additional data are needed to prove that conclusively. Therefore, this variant has been classified as Likely Pathogenic.

Blueprint Genetics
Classification: Uncertain significance. Last evaluated: 2019-12-13. Review status: criteria provided, single submitter. Criteria: ACMG Guidelines, 2015. Collection method: clinical testing. Allele origin: germline.

Literature cited by the submitters: PubMed 32307445 (cited by Labcorp Genetics (formerly Invitae), Labcorp).